The following is an entry in ClinVar:

ClinVar aggregate classification (germline): Uncertain significance (1 of 4 stars; one submission).

Conditions:
Familial cold autoinflammatory syndrome 3 (FCAS3). Also called: ANTIBODY DEFICIENCY AND IMMUNE DYSREGULATION, PLCG2-ASSOCIATED; FAMILIAL ATYPICAL COLD URTICARIA. Identifiers: Orphanet 300359, MedGen C3280914, MONDO:0013766, OMIM 614468.

gnomAD v4.1: 6 of 1,613,144 alleles (0.00037%); highest among the groups gnomAD compares: Non-Finnish European, 0.00051%; no homozygotes.

Submission:

Labcorp Genetics (formerly Invitae), Labcorp
Classification: Uncertain significance for Familial cold autoinflammatory syndrome 3. Last evaluated: 2024-10-23. Review status: criteria provided, single submitter. Criteria: Invitae Variant Classification Sherloc (09022015). Collection method: clinical testing. Allele origin: germline.
Comment: This sequence change replaces glutamic acid, which is acidic and polar, with lysine, which is basic and polar, at codon 516 of the PLCG2 protein (p.Glu516Lys). This variant is not present in population databases (gnomAD no frequency). This variant has not been reported in the literature in individuals affected with PLCG2-related conditions. An algorithm developed to predict the effect of missense changes on protein structure and function (PolyPhen-2) suggests that this variant is likely to be tolerated. In summary, the available evidence is currently insufficient to determine the role of this variant in disease. Therefore, it has been classified as a Variant of Uncertain Significance.

NM_002661.5(PLCG2):c.1546G>A (p.Glu516Lys)

Gene: PLCG2 (phospholipase C gamma 2; plus strand). Cytogenetic location: 16q23.3.
Variant type: single nucleotide variant.
Coding change: c.1546G>A on transcript NM_002661.5 (MANE Select); coding-DNA position 1546, G replaced by A.
Protein change: p.Glu516Lys; replaces glutamic acid 516 with lysine.
Molecular consequence: missense variant.
Genome position (GRCh38, 1-based): chr16:81,907,763, G>A. VCF-style: chr16-81907763-G-A. GRCh37 (hg19) VCF-style: chr16-81941368-G-A.
Other names: c.1546G>A, p.Glu516Lys (NM_001425749.1, NM_001425750.1, NM_001425751.1); short protein forms E516K.
Identifiers: ClinVar variation 3685919 (VCV003685919.2).